The following is an entry in ClinVar:

ClinVar aggregate classification (germline): Uncertain significance. Review status: criteria provided, multiple submitters, no conflicts (2 of 4 stars). 2 submissions from 2 submitters: Uncertain significance (2). Last evaluated 2024-10-31.

Conditions:
Hereditary cancer-predisposing syndrome. Also called: Neoplastic Syndromes, Hereditary; Hereditary neoplastic syndrome; Hereditary Cancer Syndrome; Tumor predisposition. Identifiers: Orphanet 140162, MedGen C0027672, MeSH D009386, MONDO:0015356.
Gorlin syndrome. Also called: Nevoid Basal Cell Carcinoma Syndrome; Basal cell nevus syndrome. Identifiers: Orphanet 377, MedGen C0004779, MONDO:0007187.

Submissions (2):

Ambry Genetics
Classification: Uncertain significance for Hereditary cancer-predisposing syndrome. Last evaluated: 2024-10-31. Review status: criteria provided, single submitter. Criteria: Ambry Variant Classification Scheme 2023. Collection method: clinical testing. Allele origin: germline.
Comment: The p.I969M variant (also known as c.2907C>G), located in coding exon 18 of the PTCH1 gene, results from a C to G substitution at nucleotide position 2907. The isoleucine at codon 969 is replaced by methionine, an amino acid with highly similar properties. This amino acid position is conserved. In addition, this alteration is predicted to be deleterious by in silico analysis. Based on the available evidence, the clinical significance of this variant remains unclear.

Labcorp Genetics (formerly Invitae), Labcorp
Classification: Uncertain significance for Gorlin syndrome. Last evaluated: 2019-07-16. Review status: criteria provided, single submitter. Criteria: Invitae Variant Classification Sherloc (09022015). Collection method: clinical testing. Allele origin: germline.
Comment: This variant has not been reported in the literature in individuals with PTCH1-related conditions. This variant is not present in population databases (ExAC no frequency). This sequence change replaces isoleucine with methionine at codon 969 of the PTCH1 protein (p.Ile969Met). The isoleucine residue is moderately conserved and there is a small physicochemical difference between isoleucine and methionine. Algorithms developed to predict the effect of missense changes on protein structure and function are either unavailable or do not agree on the potential impact of this missense change (SIFT: "Deleterious"; PolyPhen-2: "Probably Damaging"; Align-GVGD: "Class C0"). In summary, the available evidence is currently insufficient to determine the role of this variant in disease. Therefore, it has been classified as a Variant of Uncertain Significance.

NM_000264.5(PTCH1):c.2907C>G (p.Ile969Met)

Gene: PTCH1 (patched 1; minus strand). Cytogenetic location: 9q22.32.
Variant type: single nucleotide variant.
Coding change: c.2907C>G on transcript NM_000264.5 (MANE Select); coding-DNA position 2907, C replaced by G.
Protein change: p.Ile969Met; replaces isoleucine 969 with methionine.
Molecular consequence: missense variant. On other transcripts: non-coding transcript variant (1).
Genome position (GRCh38, 1-based): chr9:95,458,274, G>C on the plus strand (C>G on the coding strand, the complement: PTCH1 is on the minus strand). VCF-style: chr9-95458274-G-C. GRCh37 (hg19) VCF-style: chr9-98220556-G-C.
Other names: c.2709C>G, p.Ile903Met (NM_001083602.3); c.2904C>G, p.Ile968Met (NM_001083603.3); c.2454C>G, p.Ile818Met (NM_001083604.3, NM_001083605.3, NM_001083606.3 and 1 more transcripts); c.2751C>G, p.Ile917Met (NM_001354918.2); short protein forms I968M, I818M, I903M, I917M, I969M.
Identifiers: ClinVar variation 948298 (VCV000948298.11), dbSNP rs748318700, ClinGen allele CA374112812.